The following is an entry in ClinVar:

ClinVar aggregate classification (germline): Uncertain significance. Review status: criteria provided, multiple submitters, no conflicts (2 of 4 stars). 4 submissions from 4 submitters: Uncertain significance (4). Last evaluated 2025-12-10.

Conditions:
DMXL2-related disorder. Also called: DMXL2-related condition.

Allele frequency attached by ClinVar (database versions not stated): ExAC 0.00001; gnomAD exomes 0.00001; gnomAD 0.00003; TOPMed 0.00006.
gnomAD v4.1: 16 of 1,601,072 alleles (0.001%); highest among the groups gnomAD compares: African/African-American, 0.02%; no homozygotes.

Submissions (4):

PreventionGenetics, part of Exact Sciences
Classification: Uncertain significance for DMXL2-related condition. Last evaluated: 2025-12-10. Review status: criteria provided, single submitter. Criteria: ACMG Guidelines, 2015. Collection method: clinical testing. Allele origin: germline.
Comment: The DMXL2 c.6343A>G variant is predicted to result in the amino acid substitution p.Met2115Val. To our knowledge, this variant has not been reported in the literature. This variant is reported in 0.032% of alleles in individuals of African descent in gnomAD. At this time, the clinical significance of this variant is uncertain due to the absence of conclusive functional and genetic evidence.

Labcorp Genetics (formerly Invitae), Labcorp
Classification: Uncertain significance. Last evaluated: 2025-11-10. Review status: criteria provided, single submitter. Criteria: Invitae Variant Classification Sherloc (09022015). Collection method: clinical testing. Allele origin: germline.
Comment: This sequence change replaces methionine, which is neutral and non-polar, with valine, which is neutral and non-polar, at codon 2115 of the DMXL2 protein (p.Met2115Val). This variant is present in population databases (rs775421199, gnomAD 0.03%). This variant has not been reported in the literature in individuals affected with DMXL2-related conditions. ClinVar contains an entry for this variant (Variation ID: 1960837). An algorithm developed to predict the effect of missense changes on protein structure and function outputs the following: PolyPhen-2: "Benign". The valine amino acid residue is found in multiple mammalian species, which suggests that this missense change does not adversely affect protein function. In summary, the available evidence is currently insufficient to determine the role of this variant in disease. Therefore, it has been classified as a Variant of Uncertain Significance.

Revvity Omics, Revvity
Classification: Uncertain significance. Last evaluated: 2025-05-19. Review status: criteria provided, single submitter. Criteria: ACMG Guidelines, 2015. Collection method: clinical testing. Allele origin: germline.

Blueprint Genetics
Classification: Uncertain significance. Last evaluated: 2020-10-19. Review status: criteria provided, single submitter. Criteria: ACMG Guidelines, 2015. Collection method: clinical testing. Allele origin: germline.

NM_001378457.1(DMXL2):c.6343A>G (p.Met2115Val)

Gene: DMXL2 (Dmx like 2; minus strand). Cytogenetic location: 15q21.2.
Variant type: single nucleotide variant.
Coding change: c.6343A>G on transcript NM_001378457.1 (MANE Select); coding-DNA position 6343, A replaced by G.
Protein change: p.Met2115Val; replaces methionine 2115 with valine.
Molecular consequence: missense variant. On other transcripts: non-coding transcript variant (2).
Genome position (GRCh38, 1-based): chr15:51,480,763, T>C on the plus strand (A>G on the coding strand, the complement: DMXL2 is on the minus strand). VCF-style: chr15-51480763-T-C. GRCh37 (hg19) VCF-style: chr15-51772960-T-C.
Other names: c.6343A>G (NM_001174116.1, NM_001174116.2); c.6343A>G, p.Met2115Val (NM_001174116.3, NM_001378458.1, NM_001378459.1 and 4 more transcripts); c.4435A>G, p.Met1479Val (NM_001174117.3); c.4324A>G, p.Met1442Val (NM_001378460.1); c.6103A>G, p.Met2035Val (NM_001378464.1); short protein forms M1479V, M2035V, M1442V, M2115V.
Identifiers: ClinVar variation 1960837 (VCV001960837.7), dbSNP rs775421199, ClinGen allele CA7561656.